The following is an entry in ClinVar:

NM_021922.3(FANCE):c.1316+19G>A

Gene: FANCE (FA complementation group E; plus strand). Cytogenetic location: 6p21.31.
Variant type: single nucleotide variant.
Coding change: c.1316+19G>A on transcript NM_021922.3 (MANE Select); 19 bases into the intron after coding-DNA position 1316, G replaced by A.
Molecular consequence: intron variant.
Genome position (GRCh38, 1-based): chr6:35,459,779, G>A. VCF-style: chr6-35459779-G-A. GRCh37 (hg19) VCF-style: chr6-35427556-G-A.
Identifiers: ClinVar variation 261433 (VCV000261433.16), dbSNP rs6457823, ClinGen allele CA3771666.
Genomic context (GRCh38, chr6:35,459,779, plus strand): 5'-GATGGAGTCCCTGGAGCCAGATGCACAGGTTCTAATGCTGGGGTGAGTGTGCAGGCCTCC[G>A]TGCTGTCCCCACTGCCACCTGTTCCCCCAGGCTAGAGTGACATCACATGTGTTGGGCCCT-3'

ClinVar aggregate classification (germline): Benign/Likely benign. Review status: criteria provided, multiple submitters, no conflicts (2 of 4 stars). 7 submissions from 7 submitters: Benign (5); Likely benign (1). 1 of the submissions does not count toward it. Last evaluated 2026-02-04.

Conditions:
Fanconi anemia complementation group E (FANCE). Also called: FANCE-Related Fanconi Anemia. Identifiers: Orphanet 84, MedGen C3160739, MONDO:0010953, OMIM 600901.

Allele frequency attached by ClinVar (database versions not stated): gnomAD exomes 0.06660; ExAC 0.09763; gnomAD 0.14473 and 0.14669; ESP Exome Variant Server 0.15047; TOPMed 0.15553; 1000 Genomes Project 0.18950; 1000 Genomes Project 30x 0.19457.
gnomAD v4.1: 120,222 of 1,609,688 alleles (7.5%); highest among the groups gnomAD compares: African/African-American, 37%; 8,800 homozygotes.

Submissions (7):

Labcorp Genetics (formerly Invitae), Labcorp
Classification: Benign for Fanconi anemia complementation group E. Last evaluated: 2026-02-04. Review status: criteria provided, single submitter. Criteria: Invitae Variant Classification Sherloc (09022015). Collection method: clinical testing. Allele origin: germline.

ARUP Laboratories, Molecular Genetics and Genomics, ARUP Laboratories
Classification: Benign for Fanconi anemia complementation group E. Last evaluated: 2025-05-16. Review status: criteria provided, single submitter. Criteria: ARUP Molecular Germline Variant Investigation Process 2024. Collection method: clinical testing. Allele origin: germline.

Blueprint Genetics
Classification: Likely benign. Last evaluated: 2024-11-26. Review status: criteria provided, single submitter. Criteria: ACMG Guidelines, 2015. Collection method: clinical testing. Allele origin: germline.

KCCC/NGS Laboratory, Kuwait Cancer Control Center
Classification: Benign for Fanconi anemia complementation group E. Last evaluated: 2023-07-07. Review status: criteria provided, single submitter. Criteria: ACMG Guidelines, 2015. Collection method: clinical testing. Allele origin: germline. Affected: yes.

GeneDx
Classification: Benign. Last evaluated: 2019-01-10. Review status: criteria provided, single submitter. Criteria: GeneDx Variant Classification Process June 2021. Collection method: clinical testing. Allele origin: germline. Affected: yes.

PreventionGenetics, part of Exact Sciences
Classification: Benign. Review status: criteria provided, single submitter. Criteria: ACMG Guidelines, 2015. Collection method: clinical testing. Allele origin: germline.

Leiden Open Variation Database
Classification: Uncertain significance. Last evaluated: 2020-02-28. Review status: no assertion criteria provided. Collection method: curation. Allele origin: germline. Affected: yes. Not counted in ClinVar's aggregate classification.
Comment: Curator: Arleen D. Auerbach. Submitter to LOVD: Arleen D. Auerbach.